The following continues an entry in ClinVar:

NM_001077350.3(NPRL3):c.180C>T (p.Gly60=)

ClinVar aggregate classification (germline): Benign. Benign (4).

Submissions 32 to 48 of 48:

Dr. Peter K. Rogan Lab, Western University
No classification provided (evidence only). Condition: Ovarian serous cystadenocarcinoma. Review status: no classification provided. Collection method: in vitro. Allele origin: not applicable. Functional consequence: retained intron. Not counted in ClinVar's aggregate classification.

Dr. Peter K. Rogan Lab, Western University
No classification provided (evidence only). Condition: Ovarian serous cystadenocarcinoma. Review status: no classification provided. Collection method: in vitro. Allele origin: not applicable. Functional consequence: retained intron. Not counted in ClinVar's aggregate classification.

Dr. Peter K. Rogan Lab, Western University
No classification provided (evidence only). Condition: Ovarian serous cystadenocarcinoma. Review status: no classification provided. Collection method: in vitro. Allele origin: not applicable. Functional consequence: retained intron. Not counted in ClinVar's aggregate classification.

Dr. Peter K. Rogan Lab, Western University
No classification provided (evidence only). Condition: Ovarian serous cystadenocarcinoma. Review status: no classification provided. Collection method: in vitro. Allele origin: not applicable. Functional consequence: retained intron. Not counted in ClinVar's aggregate classification.

Dr. Peter K. Rogan Lab, Western University
No classification provided (evidence only). Condition: Ovarian serous cystadenocarcinoma. Review status: no classification provided. Collection method: in vitro. Allele origin: not applicable. Functional consequence: retained intron. Not counted in ClinVar's aggregate classification.

Dr. Peter K. Rogan Lab, Western University
No classification provided (evidence only). Condition: Gastric cancer. Review status: no classification provided. Collection method: in vitro. Allele origin: not applicable. Functional consequence: retained intron. Not counted in ClinVar's aggregate classification.

Dr. Peter K. Rogan Lab, Western University
No classification provided (evidence only). Condition: Gastric cancer. Review status: no classification provided. Collection method: in vitro. Allele origin: not applicable. Functional consequence: retained intron. Not counted in ClinVar's aggregate classification.

Dr. Peter K. Rogan Lab, Western University
No classification provided (evidence only). Condition: Gastric cancer. Review status: no classification provided. Collection method: in vitro. Allele origin: not applicable. Functional consequence: retained intron. Not counted in ClinVar's aggregate classification.

Dr. Peter K. Rogan Lab, Western University
No classification provided (evidence only). Condition: Gastric cancer. Review status: no classification provided. Collection method: in vitro. Allele origin: not applicable. Functional consequence: retained intron. Not counted in ClinVar's aggregate classification.

Dr. Peter K. Rogan Lab, Western University
No classification provided (evidence only). Condition: Gastric cancer. Review status: no classification provided. Collection method: in vitro. Allele origin: not applicable. Functional consequence: retained intron. Not counted in ClinVar's aggregate classification.

Dr. Peter K. Rogan Lab, Western University
No classification provided (evidence only). Condition: Adrenocortical carcinoma, hereditary. Review status: no classification provided. Collection method: in vitro. Allele origin: not applicable. Functional consequence: skipped exon, retained intron. Not counted in ClinVar's aggregate classification.

Dr. Peter K. Rogan Lab, Western University
No classification provided (evidence only). Condition: Adrenocortical carcinoma, hereditary. Review status: no classification provided. Collection method: in vitro. Allele origin: not applicable. Functional consequence: skipped exon. Not counted in ClinVar's aggregate classification.

Dr. Peter K. Rogan Lab, Western University
No classification provided (evidence only). Condition: Malignant tumor of esophagus. Review status: no classification provided. Collection method: in vitro. Allele origin: not applicable. Functional consequence: retained intron. Not counted in ClinVar's aggregate classification.

Dr. Peter K. Rogan Lab, Western University
No classification provided (evidence only). Condition: Malignant tumor of esophagus. Review status: no classification provided. Collection method: in vitro. Allele origin: not applicable. Functional consequence: retained intron. Not counted in ClinVar's aggregate classification.

Dr. Peter K. Rogan Lab, Western University
No classification provided (evidence only). Condition: Malignant tumor of esophagus. Review status: no classification provided. Collection method: in vitro. Allele origin: not applicable. Functional consequence: retained intron. Not counted in ClinVar's aggregate classification.

Dr. Peter K. Rogan Lab, Western University
No classification provided (evidence only). Condition: Malignant tumor of esophagus. Review status: no classification provided. Collection method: in vitro. Allele origin: not applicable. Functional consequence: skipped exon, retained intron. Not counted in ClinVar's aggregate classification.

Dr. Peter K. Rogan Lab, Western University
No classification provided (evidence only). Condition: Malignant tumor of esophagus. Review status: no classification provided. Collection method: in vitro. Allele origin: not applicable. Functional consequence: retained intron. Not counted in ClinVar's aggregate classification.